The following is an entry in ClinVar:

ClinVar aggregate classification (germline): Uncertain significance (1 of 4 stars; one submission).

Submission:

Labcorp Genetics (formerly Invitae), Labcorp
Classification: Uncertain significance. Last evaluated: 2025-06-03. Review status: criteria provided, single submitter. Criteria: Invitae Variant Classification Sherloc (09022015). Collection method: clinical testing. Allele origin: germline.
Comment: This sequence change replaces tyrosine, which is neutral and polar, with histidine, which is basic and polar, at codon 404 of the TIMM50 protein (p.Tyr404His). This variant is not present in population databases (gnomAD no frequency). This variant has not been reported in the literature in individuals affected with TIMM50-related conditions. An algorithm developed to predict the effect of missense changes on protein structure and function (PolyPhen-2) suggests that this variant is likely to be disruptive. In summary, the available evidence is currently insufficient to determine the role of this variant in disease. Therefore, it has been classified as a Variant of Uncertain Significance.

NM_001001563.5(TIMM50):c.901T>C (p.Tyr301His)

Gene: TIMM50 (translocase of inner mitochondrial membrane 50; plus strand). Cytogenetic location: 19q13.2.
Variant type: single nucleotide variant.
Coding change: c.901T>C on transcript NM_001001563.5 (MANE Select); coding-DNA position 901, T replaced by C.
Protein change: p.Tyr301His; replaces tyrosine 301 with histidine.
Molecular consequence: missense variant.
Genome position (GRCh38, 1-based): chr19:39,488,586, T>C. VCF-style: chr19-39488586-T-C. GRCh37 (hg19) VCF-style: chr19-39979226-T-C.
Other names: c.562T>C, p.Tyr188His (NM_001329559.2); short protein forms Y188H, Y301H.
Identifiers: ClinVar variation 4775005 (VCV004775005.1).